The following is an entry in ClinVar:

NM_001267550.2(TTN):c.43604G>A (p.Arg14535His)

Gene: TTN (titin; minus strand). Cytogenetic location: 2q31.2.
Variant type: single nucleotide variant.
Coding change: c.43604G>A on transcript NM_001267550.2 (MANE Select); coding-DNA position 43604, G replaced by A.
Protein change: p.Arg14535His; replaces arginine 14535 with histidine.
Molecular consequence: missense variant.
Genome position (GRCh38, 1-based): chr2:178,632,290, C>T on the plus strand (G>A on the coding strand, the complement: TTN is on the minus strand). VCF-style: chr2-178632290-C-T. GRCh37 (hg19) VCF-style: chr2-179497017-C-T.
Other names: p.R12894H:CGC>CAC; c.38681G>A, p.Arg12894His (NM_001256850.1); c.16409G>A, p.Arg5470His (NM_003319.4); c.35900G>A, p.Arg11967His (NM_133378.4); c.16784G>A, p.Arg5595His (NM_133432.3); c.16985G>A, p.Arg5662His (NM_133437.4); short protein forms R12894H, R14535H, R11967H, R5662H, R5470H, R5595H.
Identifiers: ClinVar variation 202631 (VCV000202631.7), dbSNP rs764250397, ClinGen allele CA309811.

ClinVar aggregate classification (germline): Conflicting classifications of pathogenicity. Review status: criteria provided, conflicting classifications (1 of 4 stars). 3 submissions from 3 submitters: Uncertain significance (2); Likely benign (1). Last evaluated 2025-12-16.

Conditions:
TTN-related disorder. Also called: TTN-related condition; TTN-related disease; TTN-related disorders.

Allele frequency attached by ClinVar (database versions not stated): gnomAD exomes 0.00001 and 0.00002; TOPMed 0.00001; ExAC 0.00003.
gnomAD v4.1: 16 of 1,609,606 alleles (0.00099%); highest among the groups gnomAD compares: Admixed American, 0.0067%; no homozygotes.

Submissions (3):

PreventionGenetics, part of Exact Sciences
Classification: Uncertain significance for TTN-related condition. Last evaluated: 2025-12-16. Review status: criteria provided, single submitter. Criteria: ACMG Guidelines, 2015. Collection method: clinical testing. Allele origin: germline.
Comment: The TTN c.43604G>A variant is predicted to result in the amino acid substitution p.Arg14535His. To our knowledge, this variant has not been reported in the literature. This variant is reported in 0.012% of alleles in individuals of Latino descent in gnomAD. At this time, the clinical significance of this variant is uncertain due to the absence of conclusive functional and genetic evidence.

Revvity Omics, Revvity
Classification: Uncertain significance. Last evaluated: 2022-02-07. Review status: criteria provided, single submitter. Criteria: ACMG Guidelines, 2015. Collection method: clinical testing. Allele origin: germline.

GeneDx
Classification: Likely benign. Last evaluated: 2019-01-03. Review status: criteria provided, single submitter. Criteria: GeneDx Variant Classification Process June 2021. Collection method: clinical testing. Allele origin: germline. Affected: yes.